The following is an entry in ClinVar:

ClinVar aggregate classification (germline): Uncertain significance. Review status: criteria provided, multiple submitters, no conflicts (2 of 4 stars). 2 submissions from 2 submitters: Uncertain significance (2). Last evaluated 2022-10-01.

Allele frequency attached by ClinVar (database versions not stated): ExAC 0.00002.

Submissions (2):

CeGaT Center for Human Genetics Tuebingen
Classification: Uncertain significance. Last evaluated: 2022-10-01. Review status: criteria provided, single submitter. Criteria: CeGaT Center For Human Genetics Tuebingen Variant Classification Criteria Version 2. Collection method: clinical testing. Allele origin: germline. Affected: yes. Observed: 1 variant allele.
Comment: VCP: PM2, PP2, PP3, PP4

Revvity Omics, Revvity
Classification: Uncertain significance. Last evaluated: 2020-08-04. Review status: criteria provided, single submitter. Criteria: ACMG Guidelines, 2015. Collection method: clinical testing. Allele origin: germline.

NM_007126.5(VCP):c.1256C>G (p.Ala419Gly)

Gene: VCP (valosin containing protein; minus strand). Cytogenetic location: 9p13.3.
Variant type: single nucleotide variant.
Coding change: c.1256C>G on transcript NM_007126.5 (MANE Select); coding-DNA position 1256, C replaced by G.
Protein change: p.Ala419Gly; replaces alanine 419 with glycine.
Molecular consequence: missense variant.
Genome position (GRCh38, 1-based): chr9:35,061,118, G>C on the plus strand (C>G on the coding strand, the complement: VCP is on the minus strand). VCF-style: chr9-35061118-G-C. GRCh37 (hg19) VCF-style: chr9-35061115-G-C.
Other names: c.1121C>G, p.Ala374Gly (NM_001354927.2, NM_001354928.2); short protein forms A374G, A419G.
Identifiers: ClinVar variation 1879733 (VCV001879733.32), dbSNP rs775408796, ClinGen allele CA5039285.
Genomic context (GRCh38, chr9:35,061,118, plus strand): 5'-GCATCAATGGTCTCATCCTCTAGGTCAATGAGATCCATCTTCTTGCGGATGGCTTGCAGA[G>C]CAGCCTCTGAGCACAGGGCTGCTAAGTCAGCACCCACATGCCCGTGAGTCTCATTGGCTA-3'
Protein context (NP_009057.1, residues 409-429): ADLAALCSEA[Ala419Gly]LQAIRKKMDL